The following is an entry in ClinVar:

NM_001199138.2(NLRC4):c.1543C>T (p.His515Tyr)

Gene: NLRC4 (NLR family CARD domain containing 4; minus strand). Cytogenetic location: 2p22.3.
Variant type: single nucleotide variant.
Coding change: c.1543C>T on transcript NM_001199138.2 (MANE Select); coding-DNA position 1543, C replaced by T.
Protein change: p.His515Tyr; replaces histidine 515 with tyrosine.
Molecular consequence: missense variant. On other transcripts: intron variant (1).
Genome position (GRCh38, 1-based): chr2:32,250,321, G>A on the plus strand (C>T on the coding strand, the complement: NLRC4 is on the minus strand). VCF-style: chr2-32250321-G-A. GRCh37 (hg19) VCF-style: chr2-32475390-G-A.
Other names: c.1543C>T, p.His515Tyr (NM_001199139.2, NM_021209.5); c.262+2098C>T (NM_001302504.1); short protein forms H515Y.
Identifiers: ClinVar variation 2945138 (VCV002945138.3), dbSNP rs1199338262, ClinGen allele CA346512240.

ClinVar aggregate classification (germline): Uncertain significance (1 of 4 stars; one submission).

Conditions:
Periodic fever-infantile enterocolitis-autoinflammatory syndrome. Also called: Autoinflammation with infantile enterocolitis. Identifiers: Orphanet 436166, MedGen C4015067, MONDO:0014472, OMIM 616050.
Familial cold autoinflammatory syndrome 4 (FCAS4). Identifiers: Orphanet 47045, Orphanet 576349, MedGen C4015276, MONDO:0014498, OMIM 616115.

Allele frequency attached by ClinVar (database versions not stated): TOPMed 0.00001; gnomAD exomes 0.00003.
gnomAD v4.1: 48 of 1,614,218 alleles (0.003%); highest among the groups gnomAD compares: Non-Finnish European, 0.0039%; no homozygotes.

Submission:

Labcorp Genetics (formerly Invitae), Labcorp
Classification: Uncertain significance for Periodic fever-infantile enterocolitis-autoinflammatory syndrome; Familial cold autoinflammatory syndrome 4. Last evaluated: 2025-06-17. Review status: criteria provided, single submitter. Criteria: Invitae Variant Classification Sherloc (09022015). Collection method: clinical testing. Allele origin: germline.
Comment: This sequence change replaces histidine, which is basic and polar, with tyrosine, which is neutral and polar, at codon 515 of the NLRC4 protein (p.His515Tyr). This variant is present in population databases (no rsID available, gnomAD 0.007%). This variant has not been reported in the literature in individuals affected with NLRC4-related conditions. ClinVar contains an entry for this variant (Variation ID: 2945138). Invitae Evidence Modeling of protein sequence and biophysical properties (such as structural, functional, and spatial information, amino acid conservation, physicochemical variation, residue mobility, and thermodynamic stability) indicates that this missense variant is not expected to disrupt NLRC4 protein function with a negative predictive value of 80%. In summary, the available evidence is currently insufficient to determine the role of this variant in disease. Therefore, it has been classified as a Variant of Uncertain Significance.